The following is an entry in ClinVar:

NM_032228.6(FAR1):c.1411A>G (p.Asn471Asp)

Gene: FAR1 (fatty acyl-CoA reductase 1; plus strand). Cytogenetic location: 11p15.3.
Variant type: single nucleotide variant.
Coding change: c.1411A>G on transcript NM_032228.6 (MANE Select); coding-DNA position 1411, A replaced by G.
Protein change: p.Asn471Asp; replaces asparagine 471 with aspartic acid.
Molecular consequence: missense variant.
Genome position (GRCh38, 1-based): chr11:13,728,637, A>G. VCF-style: chr11-13728637-A-G. GRCh37 (hg19) VCF-style: chr11-13750184-A-G.
Other names: short protein forms N471D.
Identifiers: ClinVar variation 2131234 (VCV002131234.4), dbSNP rs2500170422, ClinGen allele CA379859312.

ClinVar aggregate classification (germline): Uncertain significance (1 of 4 stars; one submission).

Submission:

Labcorp Genetics (formerly Invitae), Labcorp
Classification: Uncertain significance. Last evaluated: 2022-04-28. Review status: criteria provided, single submitter. Criteria: Invitae Variant Classification Sherloc (09022015). Collection method: clinical testing. Allele origin: germline.
Comment: This variant is not present in population databases (gnomAD no frequency). In summary, the available evidence is currently insufficient to determine the role of this variant in disease. Therefore, it has been classified as a Variant of Uncertain Significance. Algorithms developed to predict the effect of missense changes on protein structure and function (SIFT, PolyPhen-2, Align-GVGD) all suggest that this variant is likely to be tolerated. This variant has not been reported in the literature in individuals affected with FAR1-related conditions. This sequence change replaces asparagine, which is neutral and polar, with aspartic acid, which is acidic and polar, at codon 471 of the FAR1 protein (p.Asn471Asp).